The following is an entry in ClinVar:

ClinVar aggregate classification (germline): Conflicting classifications of pathogenicity. Review status: criteria provided, conflicting classifications (1 of 4 stars). 3 submissions from 3 submitters: Uncertain significance (1); Likely benign (1). 1 of the submissions does not count toward it. Last evaluated 2025-12-16.

Conditions:
PCNT-related disorder. Also called: PCNT-related condition.
Microcephalic osteodysplastic primordial dwarfism type II (MOPD2). Also called: Microcephalic osteodysplastic primordial dwarfism with tooth abnormalities; MOPD II; OSTEODYSPLASTIC PRIMORDIAL DWARFISM, TYPE II. Identifiers: Orphanet 2637, MedGen C0432246, MONDO:0008872, OMIM 210720.

Allele frequency attached by ClinVar (database versions not stated): TOPMed 0.00002; gnomAD 0.00003 and 0.00004; ExAC 0.00002; gnomAD exomes 0.00002.
gnomAD v4.1: 31 of 1,612,910 alleles (0.0019%); highest among the groups gnomAD compares: Admixed American, 0.0033%; no homozygotes.

Submissions (3):

Labcorp Genetics (formerly Invitae), Labcorp
Classification: Likely benign. Last evaluated: 2025-12-16. Review status: criteria provided, single submitter. Criteria: Invitae Variant Classification Sherloc (09022015). Collection method: clinical testing. Allele origin: germline.

Illumina Laboratory Services, Illumina
Classification: Uncertain significance for Microcephalic osteodysplastic primordial dwarfism type II. Last evaluated: 2018-01-12. Review status: criteria provided, single submitter. Criteria: ICSL Variant Classification Criteria 13 December 2019. Collection method: clinical testing. Allele origin: germline.

PreventionGenetics, part of Exact Sciences
Classification: Likely benign for PCNT-related condition. Last evaluated: 2019-07-15. Review status: no assertion criteria provided. Collection method: clinical testing. Allele origin: germline. Not counted in ClinVar's aggregate classification.
Comment: This variant is classified as likely benign based on ACMG/AMP sequence variant interpretation guidelines (Richards et al. 2015 PMID: 25741868, with internal and published modifications).

NM_006031.6(PCNT):c.4791+8G>A

Gene: PCNT (pericentrin; plus strand). Cytogenetic location: 21q22.3.
Variant type: single nucleotide variant.
Coding change: c.4791+8G>A on transcript NM_006031.6 (MANE Select); 8 bases into the intron after coding-DNA position 4791, G replaced by A.
Molecular consequence: intron variant.
Genome position (GRCh38, 1-based): chr21:46,399,804, G>A. VCF-style: chr21-46399804-G-A. GRCh37 (hg19) VCF-style: chr21-47819718-G-A.
Other names: c.4437+8G>A (NM_001315529.2).
Identifiers: ClinVar variation 897443 (VCV000897443.9), dbSNP rs769352853, ClinGen allele CA10079775.